The following continues an entry in ClinVar:

NM_003000.3(SDHB):c.380T>G (p.Ile127Ser)

Gene: SDHB. ClinVar aggregate classification (germline): Pathogenic/Likely pathogenic. Pathogenic (13); Likely pathogenic (5).

Submissions 7 to 19 of 19:

Color Diagnostics, LLC DBA Color Health
Classification: Pathogenic for Hereditary pheochromocytoma and paraganglioma. Last evaluated: 2024-05-07. Review status: criteria provided, single submitter. Criteria: ACMG Guidelines, 2015. Collection method: clinical testing. Allele origin: germline.
Comment: This missense variant replaces isoleucine with serine at codon 127 of the SDHB protein. Computational prediction suggests that this variant may have deleterious impact on protein structure and function (internally defined REVEL score threshold >= 0.7, PMID: 27666373). Functional studies do not support pathogenicity, but may not be measuring the deficiency associated with this ferredoxin domain variant (PMID: 15987702, 25972245, 28070496, 28738844). This variant has been reported in numerous individuals affected with paraganglioma and pheochromocytoma in the literature (PMID: 15987702, 16317055, 16912137,16916404,17200167, 17667967,19001511,19802898, 21820839, 23282968, 25371406, 25683602, 28374168, 29386252). The variant has also been observed to segregate or occur in a familial context in several of these families (PMID: 16916404, 16317055, 25683602, 28374168, 29386252). This variant has been identified in 3/251458 chromosomes in the general population by the Genome Aggregation Database (gnomAD). Based on the available evidence, this variant is classified as Pathogenic.

Myriad Genetics, Inc.
Classification: Likely pathogenic for Pheochromocytoma/paraganglioma syndrome 4. Last evaluated: 2024-02-08. Review status: criteria provided, single submitter. Criteria: Myriad Autosomal Dominant, Autosomal Recessive and X-Linked Classification Criteria (2023). Collection method: clinical testing. Allele origin: unknown.
Comment: This variant is considered likely pathogenic. This variant has been reported in multiple individuals with clinical features of gene-specific disease [PMID: 16916404, 30050099, 24623741, 31308404, 29386252, 30201732]. This variant is expected to disrupt protein structure [Myriad internal data].

Fulgent Genetics
Classification: Pathogenic for Pheochromocytoma/paraganglioma syndrome 4; Gastrointestinal stromal tumor; Carney-Stratakis syndrome; Mitochondrial complex 2 deficiency, nuclear type 4. Last evaluated: 2024-01-02. Review status: criteria provided, single submitter. Criteria: ACMG Guidelines, 2015. Collection method: clinical testing. Allele origin: germline.

Baylor Genetics
Classification: Pathogenic for Gastrointestinal stromal tumor. Last evaluated: 2023-12-31. Review status: criteria provided, single submitter. Criteria: ACMG Guidelines, 2015. Collection method: clinical testing. Allele origin: unknown.

Blueprint Genetics
Classification: Pathogenic for SDHB-related disorders. Last evaluated: 2022-12-27. Review status: criteria provided, single submitter. Criteria: ACMG Guidelines, 2015. Collection method: clinical testing. Allele origin: germline. Affected: yes. Observed: 2 variant alleles.

MGZ Medical Genetics Center
Classification: Pathogenic for Pheochromocytoma/paraganglioma syndrome 4. Last evaluated: 2021-08-23. Review status: criteria provided, single submitter. Criteria: ACMG Guidelines, 2015. Collection method: clinical testing. Allele origin: germline. Affected: yes. Observed: 1 variant allele.
Comment: ACMG criteria applied: PP1_STR, PS4_MOD, PM1, PM2_SUP, PP3

Department of Pediatrics, Memorial Sloan Kettering Cancer Center
Classification: Pathogenic for Pheochromocytoma/paraganglioma syndrome 4. Last evaluated: 2020-12-15. Review status: criteria provided, single submitter. Criteria: ACMG Guidelines, 2015. Collection method: research. Allele origin: germline. Affected: no.

Laboratory for Molecular Medicine, Mass General Brigham Personalized Medicine
Classification: Pathogenic for Gastrointestinal stromal tumor; Hereditary pheochromocytoma and paraganglioma. Last evaluated: 2018-07-13. Review status: criteria provided, single submitter. Criteria: LMM Criteria. Collection method: clinical testing. Allele origin: germline. Inheritance: Autosomal dominant inheritance. Observed: 1 variant allele.
Comment: The p.Ile127Ser variant in SDHB has been reported in over 40 individuals with pa ragangliomas, pheochromocytomas, or gastrointestinal stromal tumors (GISTs) and segregated with disease in at least 7 relatives in these families (Bolland 2006, Benn 2006, Timmers 2007, Miettinen 2013, Martucci 2015, Sue 2015, Boikos 2016, Jochmanova 2017, Andrews 2018). This variant has also been reported in ClinVar ( Variation ID# 183814). In addition, three other variants at this position (p.Ile 127Asn, p.Ile127Leu, p.Ile127Thr) have been reported in the HGMD database in ind ividuals with paraganglioma, pheochromocytoma, and renal cell carcinoma (Stenson 2017). In vitro functional studies provide some evidence that the p.Ile127Ser v ariant may not impact protein function (Kim 2015). However, these types of assay s may not accurately represent biological function. This variant has been identi fied in 3/111678 European chromosomes by the Genome Aggregation Database (gnomAD). Please note that for diseases with clinical variability or reduced penetrance, pathogenic variants may be present at a low frequency in the general population. Computational prediction tools and conserva tion analysis suggest that the p.Ile127Ser variant may impact the protein, thoug h this information is not predictive enough to determine pathogenicity. In summa ry, this variant meets criteria to be classified as pathogenic for hereditary pa raganglioma/pheochromocytoma and GIST in an autosomal dominant manner based upon its presence in affected individuals, segregation studies, and low frequency in controls. ACMG/AMP Criteria applied: PS4, PP1_Strong, PM2, PP3.

ARUP Laboratories, Molecular Genetics and Genomics, ARUP Laboratories
Classification: Likely pathogenic. Last evaluated: 2018-06-10. Review status: criteria provided, single submitter. Criteria: ARUP Molecular Germline Variant Investigation Process. Collection method: clinical testing. Allele origin: germline.
Comment: The SDHB c.380T>G; p.Ile127Ser variant (rs786201095) has been observed in multiple individuals with a personal history of pheochromocytoma, paraganglioma, and/or gastrointestinal stromal tumor (Benn 2006, Bolland 2006, Brouwers 2006, Collins 2012, Miettinen 2013). It is reported as pathogenic by multiple laboratories in ClinVar (Variation ID: 183814) and observed in the European (Non-Finnish) population at a low overall frequency of 0.0027% (3/111678 alleles) in the Genome Aggregation Database. The isoleucine at codon 127 is highly conserved, and computational algorithms (PolyPhen-2, SIFT) predict that this variant is deleterious. Functional studies demonstrate that this variant exhibits enzymatic activity and mitochondrial SDH assembly similar to wild-type (Kim 2015), however levels of succinate were elevated in the tumors of individuals with this variant (Pollard 2005). Based on available information, this variant is considered likely pathogenic. References: Benn D et al. Clinical presentation and penetrance of pheochromocytoma/paraganglioma syndromes. J Clin Endocrinol Metab. 2006 Mar;91(3):827-36. Bolland M et al. Gastrointestinal stromal tumour in succinate dehydrogenase subunit B mutation-associated familial phaeochromocytoma/paraganglioma. ANZ J Surg. 2006 Aug;76(8):763-4. Brouwers F et al. High frequency of SDHB germline mutations in patients with malignant catecholamine-producing paragangliomas: implications for genetic testing. J Clin Endocrinol Metab. 2006 Nov;91(11):4505-9. Collins N et al. Contiguous bilateral head and neck paragangliomas in a carrier of the SDHB germline mutation. J Vasc Surg. 2012 Jan;55(1):216-9. Kim E et al. Structural and functional consequences of succinate dehydrogenase subunit B mutations. Endocr Relat Cancer. 2015 Jun;22(3):387-97. Miettinen M et al. Immunohistochemical loss of succinate dehydrogenase subunit A (SDHA) in gastrointestinal stromal tumors (GISTs) signals SDHA germline mutation. Am J Surg Pathol. 2013 Feb;37(2):234-40. Pollard P et al. Accumulation of Krebs cycle intermediates and over-expression of HIF1alpha in tumours which result from germline FH and SDH mutations. Hum Mol Genet. 2005 Aug 1;14(15):2231-9.

Athena Diagnostics
Classification: Likely pathogenic. Last evaluated: 2018-05-02. Review status: criteria provided, single submitter. Criteria: Athena Diagnostics Criteria. Collection method: clinical testing. Allele origin: germline.

Women's Health and Genetics/Laboratory Corporation of America, LabCorp
Classification: Likely pathogenic for Hereditary Paraganglioma-Pheochromocytoma Syndromes. Last evaluated: 2017-09-28. Review status: criteria provided, single submitter. Criteria: LabCorp Variant Classification Summary - May 2015. Collection method: clinical testing. Allele origin: germline.
Comment: Variant summary: The SDHB c.380T>G (p.Ile127Ser) variant involves the alteration of a conserved nucleotide. 4/5 in silico tools predict a damaging outcome for this variant. This variant was absent in ExAC but was found in 3/246418 control chromosomes. This variant has been reported in multiple affected families/patients with variable phenotype including paragangliomas and GIST with evidence of co-segregation of the variant with disease (Pollad_2005, Benn_2006, Brouwers_2006, Joshua_2009, Thrimmers_2007 and Bolland_2006). In addition, multiple clinical diagnostic laboratories/reputable databases classified this variant as pathogenic/likely pathogenic. Functional studies show activity comparable to WT level (Kim_SDHB_ERC_2015). This functional evidence is outweighted by strong clinical data which support a causative role of this variant. Taken together, this variant is classified as likely pathogenic.

Center for Human Genetics, Inc
Classification: Pathogenic for Pheochromocytoma/paraganglioma syndrome 4. Last evaluated: 2016-11-01. Review status: criteria provided, single submitter. Criteria: ACMG Guidelines, 2015. Collection method: clinical testing. Allele origin: germline. Affected: yes.

Section on Endocrinology and Genetics, National Institutes of Health / The Eunice Kennedy Shriver National Institute of Child Health and Human Development
Classification: Likely pathogenic for Carney triad. Review status: no assertion criteria provided. Collection method: clinical testing. Allele origin: germline. Affected: yes. Observed: 1 heterozygote. Study: Carney Triad. Not counted in ClinVar's aggregate classification.
Comment: rare cases of SDHx mutations in Carney Triad

Literature cited by the submitters: PubMed 15987702 (cited by 6 submitters); PubMed 16317055 (cited by 7 submitters); PubMed 16912137 (cited by 6 submitters); PubMed 16916404 (cited by 8 submitters); PubMed 17200167 (cited by 7 submitters); PubMed 19001511 (cited by 5 submitters); PubMed 19215943 (cited by 3 submitters); PubMed 19802898 (cited by 5 submitters); PubMed 21820839 (cited by 5 submitters); PubMed 23282968 (cited by 6 submitters); PubMed 25683602 (cited by 6 submitters); PubMed 25972245 (cited by 6 submitters); PubMed 28374168 (cited by 6 submitters); PubMed 29386252 (cited by 7 submitters); PubMed 17667967 (cited by 4 submitters); PubMed 28070496 (cited by 4 submitters); PubMed 28738844 (cited by 4 submitters); PubMed 28152038 (cited by Quest Diagnostics Nichols Institute San Juan Capistrano and Athena Diagnostics); PubMed 30050099 (cited by Quest Diagnostics Nichols Institute San Juan Capistrano and Myriad Genetics, Inc.); PubMed 31308404 (cited by Quest Diagnostics Nichols Institute San Juan Capistrano and Myriad Genetics, Inc.); PubMed 32782288 (cited by Quest Diagnostics Nichols Institute San Juan Capistrano); PubMed 34308366 (cited by Quest Diagnostics Nichols Institute San Juan Capistrano); PubMed 34906457 (cited by Quest Diagnostics Nichols Institute San Juan Capistrano); PubMed 36786389 (cited by Quest Diagnostics Nichols Institute San Juan Capistrano); PubMed 25371406 (cited by 3 submitters); PubMed 24623741 (cited by Myriad Genetics, Inc.); PubMed 30201732 (cited by Myriad Genetics, Inc.); PubMed 28873162 (cited by Department of Pediatrics, Memorial Sloan Kettering Cancer Center); PubMed 28349240 (cited by Laboratory for Molecular Medicine, Mass General Brigham Personalized Medicine); PubMed 26173966 (cited by Laboratory for Molecular Medicine, Mass General Brigham Personalized Medicine); PubMed 17884808 (cited by Women's Health and Genetics/Laboratory Corporation of America, LabCorp); PubMed 26916530 (cited by Women's Health and Genetics/Laboratory Corporation of America, LabCorp); PubMed 16288654 (cited by Women's Health and Genetics/Laboratory Corporation of America, LabCorp).